The following is an entry in ClinVar:

NM_198253.3(TERT):c.794C>T (p.Pro265Leu)

Gene: TERT (telomerase reverse transcriptase; minus strand). Cytogenetic location: 5p15.33.
Variant type: single nucleotide variant.
Coding change: c.794C>T on transcript NM_198253.3 (MANE Select); coding-DNA position 794, C replaced by T.
Protein change: p.Pro265Leu; replaces proline 265 with leucine.
Molecular consequence: missense variant. On other transcripts: non-coding transcript variant (2).
Genome position (GRCh38, 1-based): chr5:1,294,092, G>A on the plus strand (C>T on the coding strand, the complement: TERT is on the minus strand). VCF-style: chr5-1294092-G-A. GRCh37 (hg19) VCF-style: chr5-1294207-G-A.
Other names: c.794C>T, p.Pro265Leu (NM_001193376.3); short protein forms P265L.
Identifiers: ClinVar variation 1401835 (VCV001401835.3), dbSNP rs890272771, ClinGen allele CA359056769.

ClinVar aggregate classification (germline): Uncertain significance (1 of 4 stars; one submission).

Conditions:
Dyskeratosis congenita, autosomal dominant 2. Identifiers: MedGen C3151443, MONDO:0013521, OMIM 613989.
Idiopathic Pulmonary Fibrosis. Also called: Idiopathic fibrosing alveolitis, chronic form; idiopathic fibrosing alveolitis. Identifiers: Orphanet 2032, MedGen C1800706, MeSH D054990, MONDO:0800504.

gnomAD v4.1: 2 of 1,589,524 alleles (0.00013%); highest among the groups gnomAD compares: Non-Finnish European, 0.00017%; no homozygotes.

Submission:

Labcorp Genetics (formerly Invitae), Labcorp
Classification: Uncertain significance for Dyskeratosis congenita, autosomal dominant 2; Idiopathic Pulmonary Fibrosis. Last evaluated: 2021-12-02. Review status: criteria provided, single submitter. Criteria: Invitae Variant Classification Sherloc (09022015). Collection method: clinical testing. Allele origin: germline.
Comment: This sequence change replaces proline, which is neutral and non-polar, with leucine, which is neutral and non-polar, at codon 265 of the TERT protein (p.Pro265Leu). This variant is not present in population databases (gnomAD no frequency). This variant has not been reported in the literature in individuals affected with TERT-related conditions. Advanced modeling of protein sequence and biophysical properties (such as structural, functional, and spatial information, amino acid conservation, physicochemical variation, residue mobility, and thermodynamic stability) performed at Invitae indicates that this missense variant is not expected to disrupt TERT protein function. In summary, the available evidence is currently insufficient to determine the role of this variant in disease. Therefore, it has been classified as a Variant of Uncertain Significance.